The following is an entry in ClinVar:

NM_001035.3(RYR2):c.3191T>A (p.Leu1064Ter)

Gene: RYR2 (ryanodine receptor 2; plus strand). Cytogenetic location: 1q43.
Variant type: single nucleotide variant.
Coding change: c.3191T>A on transcript NM_001035.3 (MANE Select); coding-DNA position 3191, T replaced by A.
Protein change: p.Leu1064Ter; replaces leucine 1064 with a stop codon.
Molecular consequence: nonsense.
Genome position (GRCh38, 1-based): chr1:237,550,668, T>A. VCF-style: chr1-237550668-T-A. GRCh37 (hg19) VCF-style: chr1-237713968-T-A.
Other names: short protein forms L1064*.
Identifiers: ClinVar variation 5028704 (VCV005028704.1).
Genomic context (GRCh38, chr1:237,550,668, plus strand): 5'-AATCCAACAAGGACAGCCTCCGCGAGGCTGTGCGCACGCTGCTGGGGTACGGCTACAACT[T>A]GGAAGCACCAGATCAAGATCATGGTATTTTGGTTTTACTTTCCTCTTCTTCGGTTGCAAG-3'

ClinVar aggregate classification (germline): Uncertain significance (1 of 4 stars; one submission).

Conditions:
Cardiovascular phenotype. Identifiers: MedGen CN230736.

Submission:

Ambry Genetics
Classification: Uncertain significance for Cardiovascular phenotype. Last evaluated: 2026-08-26. Review status: criteria provided, single submitter. Criteria: Ambry Variant Classification Scheme 2023. Collection method: clinical testing. Allele origin: germline.
Comment: The p.L1064* variant (also known as c.3191T>A), located in coding exon 27 of the RYR2 gene, results from a T to A substitution at nucleotide position 3191. This changes the amino acid from a leucine to a stop codon within coding exon 27. This variant is expected to result in protein truncation or nonsense-mediated mRNA decay. However, loss of function has not been established as a mechanism of disease. Based on the available evidence, the clinical significance of this variant remains unclear.